The following is an entry in ClinVar:

ClinVar aggregate classification (germline): Uncertain significance (1 of 4 stars; one submission).

Submission:

Labcorp Genetics (formerly Invitae), Labcorp
Classification: Uncertain significance. Last evaluated: 2022-06-27. Review status: criteria provided, single submitter. Criteria: Invitae Variant Classification Sherloc (09022015). Collection method: clinical testing. Allele origin: germline.
Comment: In summary, the available evidence is currently insufficient to determine the role of this variant in disease. Therefore, it has been classified as a Variant of Uncertain Significance. Algorithms developed to predict the effect of missense changes on protein structure and function output the following: SIFT: "Not Available"; PolyPhen-2: "Benign"; Align-GVGD: "Not Available". The aspartic acid amino acid residue is found in multiple mammalian species, which suggests that this missense change does not adversely affect protein function. This variant has not been reported in the literature in individuals affected with CEP250-related conditions. This variant is not present in population databases (gnomAD no frequency). This sequence change replaces asparagine, which is neutral and polar, with aspartic acid, which is acidic and polar, at codon 2343 of the CEP250 protein (p.Asn2343Asp).

NM_007186.6(CEP250):c.7027A>G (p.Asn2343Asp)

Gene: CEP250 (centrosomal protein 250; plus strand). Cytogenetic location: 20q11.22.
Variant type: single nucleotide variant.
Coding change: c.7027A>G on transcript NM_007186.6 (MANE Select); coding-DNA position 7027, A replaced by G.
Protein change: p.Asn2343Asp; replaces asparagine 2343 with aspartic acid.
Molecular consequence: missense variant.
Genome position (GRCh38, 1-based): chr20:35,510,016, A>G. VCF-style: chr20-35510016-A-G. GRCh37 (hg19) VCF-style: chr20-34097845-A-G.
Other names: c.5131A>G, p.Asn1711Asp (NM_001318219.1); short protein forms N1711D, N2343D.
Identifiers: ClinVar variation 1486437 (VCV001486437.5), dbSNP rs2064309799, ClinGen allele CA408761148.